The following is an entry in ClinVar:

NC_000005.9:g.(?_36953799)_(37064994_?)del

Gene: NIPBL (NIPBL cohesin loading factor; plus strand). Cytogenetic location: 5p13.2.
Variant type: Deletion.
Identifiers: ClinVar variation 1075076 (VCV001075076.7).

ClinVar aggregate classification (germline): Pathogenic (1 of 4 stars; one submission).

Conditions:
Cornelia de Lange syndrome 1 (CDLS1). Also called: TYPUS DEGENERATIVUS AMSTELODAMENSIS; Brachmann de Lange syndrome; NIPBL-Related Cornelia de Lange Syndrome. Identifiers: Orphanet 199, MedGen C4551851, MONDO:0007387, OMIM 122470.

Submission:

Labcorp Genetics (formerly Invitae), Labcorp
Classification: Pathogenic for Cornelia de Lange syndrome 1. Last evaluated: 2020-09-15. Review status: criteria provided, single submitter. Criteria: Invitae Variant Classification Sherloc (09022015). Collection method: clinical testing. Allele origin: germline.
Comment: For these reasons, this variant has been classified as Pathogenic. Loss-of-function variants in NIPBL are known to be pathogenic (PMID: 15318302, 19763162, 23505322, 29995837). Isolated whole-gene deletions of NIPBL have not been reported in the literature. However, larger copy number events that include this gene have been reported (PMID: 23254390, 24689074). A gross deletion of the genomic region encompassing the full coding sequence of the NIPBL gene has been identified. The boundaries of this event are unknown as the deletion extends beyond the assayed region for this gene and therefore may encompass additional genes.

Literature cited by the submitters: PubMed 15318302; PubMed 19763162; PubMed 23505322; PubMed 29995837; PubMed 23254390; PubMed 24689074.